The following is an entry in ClinVar:

NM_052947.4(ALPK2):c.2477C>A (p.Pro826Gln)

Gene: ALPK2 (alpha kinase 2; minus strand). Cytogenetic location: 18q21.31.
Variant type: single nucleotide variant.
Coding change: c.2477C>A on transcript NM_052947.4 (MANE Select); coding-DNA position 2477, C replaced by A.
Protein change: p.Pro826Gln; replaces proline 826 with glutamine.
Molecular consequence: missense variant.
Genome position (GRCh38, 1-based): chr18:58,537,710, G>T on the plus strand (C>A on the coding strand, the complement: ALPK2 is on the minus strand). VCF-style: chr18-58537710-G-T. GRCh37 (hg19) VCF-style: chr18-56204942-G-T.
Other names: short protein forms P826Q.
Identifiers: ClinVar variation 1791847 (VCV001791847.2), dbSNP rs768618719, ClinGen allele CA402570448.
Genomic context (GRCh38, chr18:58,537,710, plus strand): 5'-TGACCTTCTGCCAGTTCCGTATCTACAGAGCAAATTTCTTGAGGCGAATATTTATCAACT[G>T]GTCTCCCAACAAGAGAATCTATGGTATCAAAACACGTTCCTTGGTCACCAGCCTCAAAAC-3'
Protein context (NP_443179.3, residues 816-836): FDTIDSLVGR[Pro826Gln]VDKYSPQEIC

ClinVar aggregate classification (germline): Uncertain significance (1 of 4 stars; one submission).

Allele frequency attached by ClinVar (database versions not stated): gnomAD 0.00002; TOPMed 0.00002.
gnomAD v4.1: 6 of 1,613,954 alleles (0.00037%); highest among the groups gnomAD compares: African/African-American, 0.008%; no homozygotes.

Submission:

Ambry Genetics
Classification: Uncertain significance. Last evaluated: 2023-12-19. Review status: criteria provided, single submitter. Criteria: Ambry Variant Classification Scheme 2023. Collection method: clinical testing. Allele origin: germline.
Comment: The p.P826Q variant (also known as c.2477C>A), located in coding exon 4 of the ALPK2 gene, results from a C to A substitution at nucleotide position 2477. The proline at codon 826 is replaced by glutamine, an amino acid with similar properties. This amino acid position is conserved. In addition, this alteration is predicted to be tolerated by in silico analysis. Since supporting evidence is limited at this time, the clinical significance of this alteration remains unclear.